The following is an entry in ClinVar:

ClinVar aggregate classification (germline): Uncertain significance. Review status: criteria provided, multiple submitters, no conflicts (2 of 4 stars). 2 submissions from 2 submitters: Uncertain significance (2). Last evaluated 2026-04-20.

Conditions:
DICER1-related tumor predisposition. Also called: DICER1-related pleuropulmonary blastoma cancer predisposition syndrome; DICER1 syndrome. Identifiers: Orphanet 284343, MedGen C3839822, MONDO:0100216.
Hereditary cancer-predisposing syndrome. Also called: Neoplastic Syndromes, Hereditary; Tumor predisposition; Hereditary Cancer Syndrome; Hereditary neoplastic syndrome. Identifiers: Orphanet 140162, MedGen C0027672, MeSH D009386, MONDO:0015356.

Submissions (2):

Ambry Genetics
Classification: Uncertain significance for Hereditary cancer-predisposing syndrome. Last evaluated: 2026-04-20. Review status: criteria provided, single submitter. Criteria: Ambry Variant Classification Scheme 2023. Collection method: clinical testing. Allele origin: germline.
Comment: The p.Q1228R variant (also known as c.3683A>G), located in coding exon 20 of the DICER1 gene, results from an A to G substitution at nucleotide position 3683. The glutamine at codon 1228 is replaced by arginine, an amino acid with highly similar properties. This amino acid position is conserved. In addition, this alteration is predicted to be deleterious by in silico analysis. Based on the available evidence, the clinical significance of this variant remains unclear.

Labcorp Genetics (formerly Invitae), Labcorp
Classification: Uncertain significance for DICER1-related tumor predisposition. Last evaluated: 2021-12-02. Review status: criteria provided, single submitter. Criteria: Invitae Variant Classification Sherloc (09022015). Collection method: clinical testing. Allele origin: germline.
Comment: This sequence change replaces glutamine, which is neutral and polar, with arginine, which is basic and polar, at codon 1228 of the DICER1 protein (p.Gln1228Arg). This variant is not present in population databases (gnomAD no frequency). This variant has not been reported in the literature in individuals affected with DICER1-related conditions. Algorithms developed to predict the effect of missense changes on protein structure and function (SIFT, PolyPhen-2, Align-GVGD) all suggest that this variant is likely to be tolerated. In summary, the available evidence is currently insufficient to determine the role of this variant in disease. Therefore, it has been classified as a Variant of Uncertain Significance.

NM_177438.3(DICER1):c.3683A>G (p.Gln1228Arg)

Gene: DICER1 (dicer 1, ribonuclease III; minus strand). Cytogenetic location: 14q32.13.
Variant type: single nucleotide variant.
Coding change: c.3683A>G on transcript NM_177438.3 (MANE Select); coding-DNA position 3683, A replaced by G.
Protein change: p.Gln1228Arg; replaces glutamine 1228 with arginine.
Molecular consequence: missense variant. On other transcripts: non-coding transcript variant (6).
Genome position (GRCh38, 1-based): chr14:95,103,713, T>C on the plus strand (A>G on the coding strand, the complement: DICER1 is on the minus strand). VCF-style: chr14-95103713-T-C. GRCh37 (hg19) VCF-style: chr14-95570050-T-C.
Other names: c.3683A>G, p.Gln1228Arg (NM_001195573.1, NM_001271282.3, NM_001291628.2 and 13 more transcripts); c.3401A>G, p.Gln1134Arg (NM_001395686.1); c.3278A>G, p.Gln1093Arg (NM_001395687.1, NM_001395688.1, NM_001395689.1 and 2 more transcripts); c.3116A>G, p.Gln1039Arg (NM_001395691.1); c.2000A>G, p.Gln667Arg (NM_001395697.1); short protein forms Q1093R, Q1134R, Q1228R, Q667R, Q1039R.
Identifiers: ClinVar variation 2024629 (VCV002024629.5), dbSNP rs2542702850, ClinGen allele CA390874373.